The following is an entry in ClinVar:

ClinVar aggregate classification (germline): Benign/Likely benign. Review status: criteria provided, multiple submitters, no conflicts (2 of 4 stars). 5 submissions from 5 submitters: Benign (3); Likely benign (2). Last evaluated 2026-01-26.

Conditions:
Charcot-Marie-Tooth disease dominant intermediate B (CMTDIB). Also called: CHARCOT-MARIE-TOOTH NEUROPATHY, DOMINANT INTERMEDIATE B; Charcot-Marie-Tooth disease dominant intermediate 1; CMT DI1; Charcot-Marie-Tooth disease dominant intermediate I. Identifiers: Orphanet 100044, Orphanet 228179, MedGen C1847902, MONDO:0011674, OMIM 606482.

Allele frequency attached by ClinVar (database versions not stated): gnomAD exomes 0.00080 and 0.00028; ExAC 0.00098; gnomAD 0.00350 and 0.00326; ESP Exome Variant Server 0.00354; TOPMed 0.00343; 1000 Genomes Project 0.00359; 1000 Genomes Project 30x 0.00406.
gnomAD v4.1: 927 of 1,614,182 alleles (0.057%); highest among the groups gnomAD compares: African/African-American, 1.1%; 7 homozygotes.

Submissions (5):

Labcorp Genetics (formerly Invitae), Labcorp
Classification: Benign for Charcot-Marie-Tooth disease dominant intermediate B. Last evaluated: 2026-01-26. Review status: criteria provided, single submitter. Criteria: Invitae Variant Classification Sherloc (09022015). Collection method: clinical testing. Allele origin: germline.

ARUP Laboratories, Molecular Genetics and Genomics, ARUP Laboratories
Classification: Benign. Last evaluated: 2023-09-21. Review status: criteria provided, single submitter. Criteria: ARUP Molecular Germline Variant Investigation Process 2024. Collection method: clinical testing. Allele origin: germline.

GeneDx
Classification: Likely benign. Last evaluated: 2018-03-01. Review status: criteria provided, single submitter. Criteria: GeneDx Variant Classification (06012015). Collection method: clinical testing. Allele origin: germline. Affected: yes.
Comment: This variant is considered likely benign or benign based on one or more of the following criteria: it is a conservative change, it occurs at a poorly conserved position in the protein, it is predicted to be benign by multiple in silico algorithms, and/or has population frequency not consistent with disease.

Breakthrough Genomics
Classification: Likely benign. Review status: criteria provided, single submitter. Criteria: ACMG Guidelines, 2015. Collection method: not provided. Allele origin: germline. Inheritance: Autosomal recessive inheritance. Affected: yes.

PreventionGenetics, part of Exact Sciences
Classification: Benign. Review status: criteria provided, single submitter. Criteria: ACMG Guidelines, 2015. Collection method: clinical testing. Allele origin: germline.

NM_001005361.3(DNM2):c.1545+14C>G

Gene: DNM2 (dynamin 2; plus strand). Cytogenetic location: 19p13.2.
Variant type: single nucleotide variant.
Coding change: c.1545+14C>G on transcript NM_001005361.3 (MANE Select); 14 bases into the intron after coding-DNA position 1545, C replaced by G.
Molecular consequence: intron variant.
Genome position (GRCh38, 1-based): chr19:10,805,981, C>G. VCF-style: chr19-10805981-C-G. GRCh37 (hg19) VCF-style: chr19-10916657-C-G.
Other names: c.1545+14C>G (NM_001005360.3, NM_001190716.2, NM_004945.4 and 1 more transcripts).
Identifiers: ClinVar variation 256864 (VCV000256864.10), dbSNP rs114713494, ClinGen allele CA9201217.